The following is an entry in ClinVar:

NM_000173.7(GP1BA):c.1171C>T (p.Pro391Ser)

Gene: GP1BA (glycoprotein Ib platelet subunit alpha; plus strand). Cytogenetic location: 17p13.2.
Variant type: single nucleotide variant.
Coding change: c.1171C>T on transcript NM_000173.7 (MANE Select); coding-DNA position 1171, C replaced by T.
Protein change: p.Pro391Ser; replaces proline 391 with serine.
Molecular consequence: missense variant.
Genome position (GRCh38, 1-based): chr17:4,933,775, C>T. VCF-style: chr17-4933775-C-T. GRCh37 (hg19) VCF-style: chr17-4837070-C-T.
Other names: p.Pro391Ser; short protein forms P391S.
Identifiers: ClinVar variation 4684181 (VCV004684181.1).
Genomic context (GRCh38, chr17:4,933,775, plus strand): 5'-ACATTCTCCAAAACTCCAAAATCCACTACTGAACCAACCCCAAGCCCGACCACCTCAGAG[C>T]CCGTCCCGGAGCCCGCCCCAAACATGACCACCCTGGAGCCCACTCCAAGCCCGACCACCC-3'
Protein context (NP_000164.5, residues 381-401): EPTPSPTTSE[Pro391Ser]VPEPAPNMTT

ClinVar aggregate classification (germline): Likely benign (1 of 4 stars; one submission).

gnomAD v4.1: 1,585 of 1,613,522 alleles (0.098%); highest among the groups gnomAD compares: African/African-American, 1.6%; 13 homozygotes.

Submission:

Mayo Clinic Laboratories, Mayo Clinic
Classification: Likely benign. Last evaluated: 2024-05-01. Review status: criteria provided, single submitter. Criteria: ACMG Guidelines, 2015. Collection method: clinical testing. Allele origin: germline. Observed: 4 variant alleles.
Comment: BS1, BS2, BP4, PM1_supporting